The following is an entry in ClinVar:

ClinVar aggregate classification (germline): Pathogenic. Review status: reviewed by expert panel (3 of 4 stars). 4 submissions from 4 submitters: Pathogenic (1). 3 of the submissions do not count toward it. Last evaluated 2016-10-18.

Conditions:
Hereditary cancer-predisposing syndrome. Also called: Hereditary Cancer Syndrome; Hereditary neoplastic syndrome; Neoplastic Syndromes, Hereditary; Tumor predisposition. Identifiers: Orphanet 140162, MedGen C0027672, MeSH D009386, MONDO:0015356.
Hereditary breast ovarian cancer syndrome. Also called: Hereditary breast and ovarian cancer syndrome (HBOC); Hereditary breast and ovarian cancer syndrome; Hereditary breast and/or ovarian cancer syndrome; Breast and ovarian cancer; BRCA1- and BRCA2-Associated Hereditary Breast and Ovarian Cancer; Hereditary breast and ovarian cancer. Identifiers: Orphanet 145, MedGen C0677776, MeSH D061325, MONDO:0003582. Disease mechanism: loss of function.
Breast-ovarian cancer, familial, susceptibility to, 2 (BROVCA2). Also called: BRCA2 Hereditary Breast and Ovarian Cancer. Identifiers: Orphanet 145, MedGen C2675520, MONDO:0012933, OMIM 612555. Disease mechanism: loss of function.

Submissions (4):

Evidence-based Network for the Interpretation of Germline Mutant Alleles (ENIGMA)
Classification: Pathogenic for Breast-ovarian cancer, familial, susceptibility to, 2. Last evaluated: 2016-10-18. Review status: reviewed by expert panel. Criteria: ENIGMA BRCA1/2 Classification Criteria (2015). Collection method: curation. Allele origin: germline.
Comment: Variant allele predicted to encode a truncated non-functional protein.

Ambry Genetics
Classification: Pathogenic for Hereditary cancer-predisposing syndrome. Last evaluated: 2026-03-09. Review status: criteria provided, single submitter. Criteria: Ambry Variant Classification Scheme 2023. Collection method: clinical testing. Allele origin: germline. Not counted in ClinVar's aggregate classification.
Comment: The c.5984dupA pathogenic mutation, located in coding exon 10 of the BRCA2 gene, results from a duplication of A at nucleotide position 5984, causing a translational frameshift with a predicted alternate stop codon (p.N1995Kfs*8). This variant is considered to be rare based on population cohorts in the Genome Aggregation Database (gnomAD). This alteration is expected to result in loss of function by premature protein truncation or nonsense-mediated mRNA decay. As such, this alteration is interpreted as a disease-causing mutation.

Labcorp Genetics (formerly Invitae), Labcorp
Classification: Pathogenic for Hereditary breast ovarian cancer syndrome. Last evaluated: 2022-04-01. Review status: criteria provided, single submitter. Criteria: Invitae Variant Classification Sherloc (09022015). Collection method: clinical testing. Allele origin: germline. Not counted in ClinVar's aggregate classification.
Comment: This sequence change creates a premature translational stop signal (p.Asn1995Lysfs*8) in the BRCA2 gene. It is expected to result in an absent or disrupted protein product. Loss-of-function variants in BRCA2 are known to be pathogenic (PMID: 20104584). This variant is not present in population databases (gnomAD no frequency). This premature translational stop signal has been observed in individual(s) with hereditary breast and/or ovarian cancer (PMID: 21918854, 24549055). ClinVar contains an entry for this variant (Variation ID: 51981). For these reasons, this variant has been classified as Pathogenic.

Consortium of Investigators of Modifiers of BRCA1/2 (CIMBA), c/o University of Cambridge
Classification: Pathogenic for Breast-ovarian cancer, familial, susceptibility to, 2. Last evaluated: 2015-10-02. Review status: criteria provided, single submitter. Criteria: CIMBA Mutation Classification guidelines May 2016. Collection method: clinical testing. Allele origin: germline. Not counted in ClinVar's aggregate classification.

Literature cited by the submitters: PubMed 20104584 (cited by Labcorp Genetics (formerly Invitae), Labcorp); PubMed 21918854 (cited by Labcorp Genetics (formerly Invitae), Labcorp); PubMed 24549055 (cited by Labcorp Genetics (formerly Invitae), Labcorp).

NM_000059.4(BRCA2):c.5984dup (p.Asn1995fs)

Gene: BRCA2 (BRCA2 DNA repair associated; plus strand). Cytogenetic location: 13q13.1.
Variant type: Duplication.
Coding change: c.5984dup on transcript NM_000059.4 (MANE Select); coding-DNA position 5984, one base duplicated (A; older notation c.5984dupA).
Protein change: p.Asn1995fs; shifts the reading frame from asparagine 1995.
Molecular consequence: frameshift variant.
Genome position (GRCh38, 1-based): chr13:32,340,339, A duplicated; the last of 4 consecutive A bases (chr13:32,340,336-32,340,339); duplicating any one gives the same sequence. VCF-style (leftmost placement, unchanged base first): chr13-32340335-C-CA. GRCh37 (hg19) VCF-style: chr13-32914472-C-CA.
Other names: 6212dup; c.5984dupA (NM_000059.3); short protein forms N1995fs.
Identifiers: ClinVar variation 51981 (VCV000051981.14), dbSNP rs397507818, ClinGen allele CA023449.